The following is an entry in ClinVar:

NM_000069.3(CACNA1S):c.1189_1190del (p.Ser397fs)

Gene: CACNA1S (calcium voltage-gated channel subunit alpha1 S; minus strand). Cytogenetic location: 1q32.1.
Variant type: Microsatellite.
Coding change: c.1189_1190del on transcript NM_000069.3 (MANE Select); coding-DNA positions 1189 to 1190, 2 bases deleted (AG; older notation c.1189_1190delAG).
Protein change: p.Ser397fs; shifts the reading frame from serine 397.
Molecular consequence: frameshift variant.
Genome position (GRCh38, 1-based): chr1:201,084,992-201,084,993, CT deleted on the plus strand (AG on the coding strand, the reverse complement: CACNA1S is on the minus strand); deleting any 2 consecutive bases within chr1:201,084,992-201,084,997 gives the same sequence; the c. name uses the placement nearest the transcript's 3' end. VCF-style (leftmost placement, unchanged base first): chr1-201084991-GCT-G. GRCh37 (hg19) VCF-style: chr1-201054119-GCT-G.
Other names: short protein forms S397fs.
Identifiers: ClinVar variation 2443900 (VCV002443900.7), dbSNP rs1322458975, ClinGen allele CA528307124.

ClinVar aggregate classification (germline): Pathogenic. Review status: criteria provided, multiple submitters, no conflicts (2 of 4 stars). 3 submissions from 3 submitters: Pathogenic (2). 1 of the submissions does not count toward it. Last evaluated 2024-03-01.

Conditions:
Hypokalemic periodic paralysis, type 1. Also called: Hypokalemic Periodic Paralysis Type 1 (AD); HypoPP. Identifiers: Orphanet 681, MedGen C3714580, MONDO:0042979, OMIM 170400.
Malignant hyperthermia, susceptibility to, 5 (MHS5). Also called: CACNA1S-Related Malignant Hyperthermia Susceptibility. Identifiers: Orphanet 423, MedGen C1866077, MONDO:0011163, OMIM 601887.
Centronuclear myopathy (CNM). Also called: Centronuclear myopathy, congenital; Myotubular myopathy. Identifiers: Orphanet 595, MedGen C0175709, MONDO:0018947. Inheritance: All.
Congenital myopathy 18. Also called: DIHYDROPYRIDINE RECEPTOR CONGENITAL MYOPATHY; DHPR CONGENITAL MYOPATHY; Myopathy, congenital, due to dihydropyridine receptor defect. Identifiers: MedGen C5830283, MONDO:0859514, OMIM 620246.

Submissions (3):

Muscle and Diseases Team, Institut de Génétique et Biologie Moléculaire et Cellulaire
Classification: Pathogenic for Centronuclear myopathy. Last evaluated: 2024-03-01. Review status: criteria provided, single submitter. Criteria: ACMG Guidelines, 2015. Collection method: research. Allele origin: maternal. Affected: yes. Observed: 1 variant allele.
Comment: PVS1+PS3+PM2+PP3

Labcorp Genetics (formerly Invitae), Labcorp
Classification: Pathogenic for Hypokalemic periodic paralysis, type 1; Malignant hyperthermia, susceptibility to, 5. Last evaluated: 2023-04-24. Review status: criteria provided, single submitter. Criteria: Invitae Variant Classification Sherloc (09022015). Collection method: clinical testing. Allele origin: germline.
Comment: For these reasons, this variant has been classified as Pathogenic. This premature translational stop signal has been observed in individual(s) with autosomal recessive congenital myopathy (PMID: 28012042). This variant is present in population databases (no rsID available, gnomAD 0.003%). This sequence change creates a premature translational stop signal (p.Ser397Profs*3) in the CACNA1S gene. It is expected to result in an absent or disrupted protein product. Loss-of-function variants in CACNA1S are known to be pathogenic (PMID: 26247046, 28012042).

OMIM
Classification: Pathogenic for CONGENITAL MYOPATHY 18, AUTOSOMAL RECESSIVE. Last evaluated: 2024-07-16. Review status: no assertion criteria provided. Collection method: literature only. Allele origin: germline. Not counted in ClinVar's aggregate classification.

Literature cited by the submitters: DOI 10.1186/s13073-024-01353-0 (cited by Muscle and Diseases Team, Institut de Génétique et Biologie Moléculaire et Cellulaire); PubMed 28012042 (cited by 3 submitters); PubMed 26247046 (cited by Labcorp Genetics (formerly Invitae), Labcorp).